The following is an entry in ClinVar:

ClinVar aggregate classification (germline): Pathogenic/Likely pathogenic. Review status: criteria provided, multiple submitters, no conflicts (2 of 4 stars). 3 submissions from 3 submitters: Pathogenic (1); Likely pathogenic (2). Last evaluated 2023-11-27.

Conditions:
OPA1-related disorder. Also called: OPA1-related condition; OPA1-related disorders.

Submissions (3):

Labcorp Genetics (formerly Invitae), Labcorp
Classification: Pathogenic. Last evaluated: 2023-11-27. Review status: criteria provided, single submitter. Criteria: Invitae Variant Classification Sherloc (09022015). Collection method: clinical testing. Allele origin: germline.
Comment: This sequence change replaces proline, which is neutral and non-polar, with leucine, which is neutral and non-polar, at codon 400 of the OPA1 protein (p.Pro400Leu). This variant is not present in population databases (gnomAD no frequency). This missense change has been observed in individuals with clinical features of dominant optical atrophy (PMID: 17722006, 31500643; Invitae). ClinVar contains an entry for this variant (Variation ID: 194096). Advanced modeling of protein sequence and biophysical properties (such as structural, functional, and spatial information, amino acid conservation, physicochemical variation, residue mobility, and thermodynamic stability) performed at Invitae indicates that this missense variant is expected to disrupt OPA1 protein function with a positive predictive value of 80%. This variant disrupts the p.Pro400 amino acid residue in OPA1. Other variant(s) that disrupt this residue have been determined to be pathogenic (PMID: 17722006; Invitae). This suggests that this residue is clinically significant, and that variants that disrupt this residue are likely to be disease-causing. For these reasons, this variant has been classified as Pathogenic.

Blueprint Genetics
Classification: Likely pathogenic for OPA1-related disorders. Last evaluated: 2022-12-23. Review status: criteria provided, single submitter. Criteria: ACMG Guidelines, 2015. Collection method: clinical testing. Allele origin: germline. Affected: yes. Observed: 2 variant alleles.

Eurofins Ntd Llc (ga)
Classification: Likely pathogenic. Last evaluated: 2015-06-03. Review status: criteria provided, single submitter. Criteria: EGL Classification Definitions 2015. Collection method: clinical testing. Allele origin: germline. Observed: 1 variant allele, 1 heterozygote.

Literature cited by the submitters: PubMed 17722006 (cited by Labcorp Genetics (formerly Invitae), Labcorp); PubMed 31500643 (cited by Labcorp Genetics (formerly Invitae), Labcorp).

NM_130837.3(OPA1):c.1364C>T (p.Pro455Leu)

Gene: OPA1 (OPA1 mitochondrial dynamin like GTPase; plus strand). Cytogenetic location: 3q29.
Variant type: single nucleotide variant.
Coding change: c.1364C>T on transcript NM_130837.3 (MANE Select); coding-DNA position 1364, C replaced by T.
Protein change: p.Pro455Leu; replaces proline 455 with leucine.
Molecular consequence: missense variant.
Genome position (GRCh38, 1-based): chr3:193,643,431, C>T. VCF-style: chr3-193643431-C-T. GRCh37 (hg19) VCF-style: chr3-193361220-C-T.
Other names: c.830C>T, p.Pro277Leu (NM_001354663.2); c.827C>T, p.Pro276Leu (NM_001354664.2); c.1199C>T, p.Pro400Leu (NM_015560.3); c.1091C>T, p.Pro364Leu (NM_130831.3); c.1145C>T, p.Pro382Leu (NM_130832.3); c.1202C>T, p.Pro401Leu (NM_130833.3); c.1253C>T, p.Pro418Leu (NM_130834.3); c.1256C>T, p.Pro419Leu (NM_130835.3); and 1 more; short protein forms P400L, P455L, P418L, P437L, P401L, P419L, P277L, P364L.
Identifiers: ClinVar variation 194096 (VCV000194096.10), dbSNP rs794727069, ClinGen allele CA274972.